The following is an entry in ClinVar:

NM_006939.4(SOS2):c.3362T>C (p.Val1121Ala)

Gene: SOS2 (SOS Ras/Rho guanine nucleotide exchange factor 2; minus strand). Cytogenetic location: 14q21.3.
Variant type: single nucleotide variant.
Coding change: c.3362T>C on transcript NM_006939.4 (MANE Select); coding-DNA position 3362, T replaced by C.
Protein change: p.Val1121Ala; replaces valine 1121 with alanine.
Molecular consequence: missense variant.
Genome position (GRCh38, 1-based): chr14:50,129,978, A>G on the plus strand (T>C on the coding strand, the complement: SOS2 is on the minus strand). VCF-style: chr14-50129978-A-G. GRCh37 (hg19) VCF-style: chr14-50596696-A-G.
Other names: c.3263T>C, p.Val1088Ala (NM_001411020.1); short protein forms V1121A, V1088A.
Identifiers: ClinVar variation 1730631 (VCV001730631.2), dbSNP rs2502820444, ClinGen allele CA389640256.

ClinVar aggregate classification (germline): Uncertain significance (1 of 4 stars; one submission).

Conditions:
Cardiovascular phenotype. Identifiers: MedGen CN230736.

Submission:

Ambry Genetics
Classification: Uncertain significance for Cardiovascular phenotype. Last evaluated: 2022-02-12. Review status: criteria provided, single submitter. Criteria: Ambry Variant Classification Scheme 2023. Collection method: clinical testing. Allele origin: germline.
Comment: The p.V1121A variant (also known as c.3362T>C), located in coding exon 21 of the SOS2 gene, results from a T to C substitution at nucleotide position 3362. The valine at codon 1121 is replaced by alanine, an amino acid with similar properties. This amino acid position is conserved. In addition, the in silico prediction for this alteration is inconclusive. Since supporting evidence is limited at this time, the clinical significance of this alteration remains unclear.